The following is an entry in ClinVar:

NM_004859.4(CLTC):c.4828-6C>T

Gene: CLTC (clathrin heavy chain; plus strand). Cytogenetic location: 17q23.1.
Variant type: single nucleotide variant.
Coding change: c.4828-6C>T on transcript NM_004859.4 (MANE Select); 6 bases into the intron before coding-DNA position 4828, C replaced by T.
Molecular consequence: intron variant.
Genome position (GRCh38, 1-based): chr17:59,690,630, C>T. VCF-style: chr17-59690630-C-T. GRCh37 (hg19) VCF-style: chr17-57767991-C-T.
Other names: c.4840-6C>T (NM_001288653.2).
Identifiers: ClinVar variation 2672702 (VCV002672702.23), dbSNP rs2509165066, ClinGen allele CA2695200303.
Genomic context (GRCh38, chr17:59,690,630, plus strand): 5'-TTCTGCCATAAACCTAGGTTTATAATACTTTTGGGGTGCTAATTAACATGATGTGTTTTT[C>T]TCCAGGTGGATAAATTAGATGCTTCAGAATCACTGAGAAAAGAAGAAGAACAAGCTACAG-3'

ClinVar aggregate classification (germline): Uncertain significance (1 of 4 stars; one submission).

Submission:

CeGaT Center for Human Genetics Tuebingen
Classification: Uncertain significance. Last evaluated: 2023-11-01. Review status: criteria provided, single submitter. Criteria: CeGaT Center For Human Genetics Tuebingen Variant Classification Criteria Version 2. Collection method: clinical testing. Allele origin: germline. Affected: yes. Observed: 1 variant allele.
Comment: CLTC: PM2, BP4